The following is an entry in ClinVar:

NM_003000.3(SDHB):c.106G>C (p.Ala36Pro)

Gene: SDHB (succinate dehydrogenase complex iron sulfur subunit B; minus strand). Cytogenetic location: 1p36.13.
Variant type: single nucleotide variant.
Coding change: c.106G>C on transcript NM_003000.3 (MANE Select); coding-DNA position 106, G replaced by C.
Protein change: p.Ala36Pro; replaces alanine 36 with proline.
Molecular consequence: missense variant.
Genome position (GRCh38, 1-based): chr1:17,044,855, C>G on the plus strand (G>C on the coding strand, the complement: SDHB is on the minus strand). VCF-style: chr1-17044855-C-G. GRCh37 (hg19) VCF-style: chr1-17371350-C-G.
Other names: c.106G>C, p.Ala36Pro (NM_001407361.1); short protein forms A36P.
Identifiers: ClinVar variation 4789087 (VCV004789087.1).
Genomic context (GRCh38, chr1:17,044,855, plus strand): 5'-GTTTGTCTCCAGCCTTGTCTGGGTCCCATCGATAGATGGCAAATTTCTTGATACGGGGAG[C>G]TGTGGCTGCAGCTGTCTGGGCTCCTCGGGAGGCCTGAAATTTTTTAAAGTTCACAAAAAG-3'
Protein context (NP_002991.2, residues 26-46): SRGAQTAAAT[Ala36Pro]PRIKKFAIYR

ClinVar aggregate classification (germline): Uncertain significance (1 of 4 stars; one submission).

Conditions:
Pheochromocytoma. Also called: MAX-Related Hereditary Paraganglioma-Pheochromocytoma Syndrome. Identifiers: Orphanet 29072, MedGen C0031511, MONDO:0008233, OMIM 171300, HP:0002666.
Gastrointestinal stromal tumor. Also called: Gastrointestinal stroma tumor; Gastrointestinal stromal tumor, somatic. Identifiers: Orphanet 44890, MedGen C0238198, MeSH D046152, MONDO:0011719, OMIM 606764, HP:0100723.
Pheochromocytoma/paraganglioma syndrome 4. Also called: CAROTID BODY TUMORS AND MULTIPLE EXTRAADRENAL PHEOCHROMOCYTOMAS; PARAGANGLIOMA, FAMILIAL MALIGNANT; PARAGANGLIOMAS, HEREDITARY EXTRAADRENAL; PHEOCHROMOCYTOMA, FAMILIAL EXTRAADRENAL; Paragangliomas 4; SDHB-Related Hereditary Paraganglioma-Pheochromocytoma Syndrome (Paragangliomas 4). Identifiers: Orphanet 29072, MedGen C1861848, MONDO:0007273, OMIM 115310.

Submission:

Labcorp Genetics (formerly Invitae), Labcorp
Classification: Uncertain significance for Gastrointestinal stromal tumor; Pheochromocytoma/paraganglioma syndrome 4; Pheochromocytoma. Last evaluated: 2025-11-27. Review status: criteria provided, single submitter. Criteria: Invitae Variant Classification Sherloc (09022015). Collection method: clinical testing. Allele origin: germline.
Comment: This sequence change replaces alanine, which is neutral and non-polar, with proline, which is neutral and non-polar, at codon 36 of the SDHB protein (p.Ala36Pro). This variant is not present in population databases (gnomAD no frequency). This variant has not been reported in the literature in individuals affected with SDHB-related conditions. Invitae Evidence Modeling of protein sequence and biophysical properties (such as structural, functional, and spatial information, amino acid conservation, physicochemical variation, residue mobility, and thermodynamic stability) indicates that this missense variant is not expected to disrupt SDHB protein function with a negative predictive value of 95%. In summary, the available evidence is currently insufficient to determine the role of this variant in disease. Therefore, it has been classified as a Variant of Uncertain Significance.